The following is an entry in ClinVar:

NM_001037333.3(CYFIP2):c.811C>T (p.Leu271Phe)

Gene: CYFIP2 (cytoplasmic FMR1 interacting protein 2; plus strand). Cytogenetic location: 5q33.3.
Variant type: single nucleotide variant.
Coding change: c.811C>T on transcript NM_001037333.3 (MANE Select); coding-DNA position 811, C replaced by T.
Protein change: p.Leu271Phe; replaces leucine 271 with phenylalanine.
Molecular consequence: missense variant.
Genome position (GRCh38, 1-based): chr5:157,307,776, C>T. VCF-style: chr5-157307776-C-T. GRCh37 (hg19) VCF-style: chr5-156734784-C-T.
Other names: c.733C>T, p.Leu245Phe (NM_001291721.2); c.811C>T, p.Leu271Phe (NM_001291722.2, NM_014376.4); short protein forms L245F, L271F.
Identifiers: ClinVar variation 3367300 (VCV003367300.1).

ClinVar aggregate classification (germline): Uncertain significance (1 of 4 stars; one submission).

Submission:

GeneDx
Classification: Uncertain significance. Last evaluated: 2023-12-26. Review status: criteria provided, single submitter. Criteria: GeneDx Variant Classification Process June 2021. Collection method: clinical testing. Allele origin: germline. Affected: yes.
Comment: Not observed at significant frequency in large population cohorts (gnomAD); In silico analysis supports that this missense variant has a deleterious effect on protein structure/function; Has not been previously published as pathogenic or benign to our knowledge